The following is an entry in ClinVar:

ClinVar aggregate classification (germline): Uncertain significance (1 of 4 stars; one submission).

Conditions:
Paroxysmal nonkinesigenic dyskinesia. Also called: Paroxysmal non-kinesigenic dyskinesia. Identifiers: Orphanet 98810, MedGen C1869117, MONDO:0700088.

Submission:

Labcorp Genetics (formerly Invitae), Labcorp
Classification: Uncertain significance for Paroxysmal nonkinesigenic dyskinesia. Last evaluated: 2022-03-19. Review status: criteria provided, single submitter. Criteria: Invitae Variant Classification Sherloc (09022015). Collection method: clinical testing. Allele origin: germline.
Comment: This sequence change replaces alanine, which is neutral and non-polar, with threonine, which is neutral and polar, at codon 143 of the PNKD protein (p.Ala143Thr). This variant is not present in population databases (gnomAD no frequency). This variant has not been reported in the literature in individuals affected with PNKD-related conditions. ClinVar contains an entry for this variant (Variation ID: 933712). Algorithms developed to predict the effect of missense changes on protein structure and function are either unavailable or do not agree on the potential impact of this missense change (SIFT: "Deleterious"; PolyPhen-2: "Probably Damaging"; Align-GVGD: "Class C0"). In summary, the available evidence is currently insufficient to determine the role of this variant in disease. Therefore, it has been classified as a Variant of Uncertain Significance.

NM_015488.5(PNKD):c.427G>A (p.Ala143Thr)

Genes: CATIP-AS2 (CATIP antisense RNA 2; minus strand), PNKD (PNKD metallo-beta-lactamase domain containing; plus strand). Cytogenetic location: 2q35.
Variant type: single nucleotide variant.
Coding change: c.427G>A on transcript NM_015488.5 (MANE Select); coding-DNA position 427, G replaced by A.
Protein change: p.Ala143Thr; replaces alanine 143 with threonine.
Molecular consequence: missense variant.
Genome position (GRCh38, 1-based): chr2:218,340,103, G>A. VCF-style: chr2-218340103-G-A. GRCh37 (hg19) VCF-style: chr2-219204826-G-A.
Other names: c.355G>A, p.Ala119Thr (NM_022572.5); short protein forms A119T, A143T.
Identifiers: ClinVar variation 933712 (VCV000933712.9), dbSNP rs754958157, ClinGen allele CA350538715.